The following is an entry in ClinVar:

NM_000518.5(HBB):c.-80T>A

Genes: HBB (hemoglobin subunit beta; minus strand), LOC106099062 (HBB recombination region; plus strand), LOC107133510 (origin of replication at HBB; plus strand). Cytogenetic location: 11p15.4.
Variant type: single nucleotide variant.
Coding change: c.-80T>A on transcript NM_000518.5 (MANE Select); 80 bases upstream of the start codon, T replaced by A.
Genome position (GRCh38, 1-based): chr11:5,227,101, A>T on the plus strand (T>A on the coding strand, the complement: HBB is on the minus strand). VCF-style: chr11-5227101-A-T. GRCh37 (hg19) VCF-style: chr11-5248331-A-T.
Other names: -30T>A; -30 (T>A); -30T-A, PROMOTER; c.-80T>A (NM_000518.4).
Identifiers: ClinVar variation 15467 (VCV000015467.128), dbSNP rs33980857, ClinGen allele CA125326.
Genomic context (GRCh38, chr11:5,227,101, plus strand): 5'-TAGTGAACACAGTTGTGTCAGAAGCAAATGTAAGCAATAGATGGCTCTGCCCTGACTTTT[A>T]TGCCCAGCCCTGGCTCCTGCCCTCCCTGCTCCTGGGAGTAGATTGGCCAACCCTAGGGTG-3'

ClinVar aggregate classification (germline): Pathogenic. Review status: criteria provided, multiple submitters, no conflicts (2 of 4 stars). 10 submissions from 10 submitters: Pathogenic (7). 3 of the submissions do not count toward it. Last evaluated 2026-05-01.

Conditions:
HBB-related disorder. Also called: HBB-related condition; HBB-related disorders. Identifiers: MedGen CN239378.
BETA-PLUS-THALASSEMIA. Identifiers: MedGen C3841475.
beta Thalassemia (BTHAL). Also called: Cooley's anemia; Erythroblastic anemia; Mediterranean anemia. Identifiers: Orphanet 848, MedGen C0005283, MONDO:0019402. Disease mechanism: loss of function.

Allele frequency attached by ClinVar (database versions not stated): gnomAD exomes 0.00001.

Submissions (10):

CeGaT Center for Human Genetics Tuebingen
Classification: Pathogenic. Last evaluated: 2026-05-01. Review status: criteria provided, single submitter. Criteria: CeGaT Center For Human Genetics Tuebingen Variant Classification Criteria Version 2. Collection method: clinical testing. Allele origin: germline. Affected: yes. Observed: 3 variant alleles.
Comment: HBB: PM3:Strong, PM1, PM2, PP4, PS3:Supporting

Natera, Inc.
Classification: Pathogenic for Beta thalassemia. Last evaluated: 2025-12-10. Review status: criteria provided, single submitter. Criteria: Natera Variant Classification Schema (03/2026). Collection method: clinical testing. Allele origin: germline.
Comment: The c.-80T>A variant in HBB is a 5' untranslated region (UTR) variant located upstream of the translation start codon. This variant is rare in the general population with a frequency below the threshold expected for the associated phenotype(s). This variant has been observed in one or more individuals affected with the associated recessive disease, as either homozygous or compound heterozygous with a second variant (PMID: 25825561, 3382401). Computational prediction algorithms indicate this variant is likely to affect gene or protein function. Given the available evidence, this variant is classified as Pathogenic.

Quest Diagnostics Nichols Institute San Juan Capistrano
Classification: Pathogenic. Last evaluated: 2025-07-22. Review status: criteria provided, single submitter. Criteria: Quest Diagnostics criteria. Collection method: clinical testing. Allele origin: unknown.
Comment: The HBB c.-80T>A variant (also known as -30T>A) is located in the TATA-box of the HBB gene promoter, and decreases transcription of the beta-globin gene, and is associated with beta(+)-thalassemia (HbVar). This variant has been reported in the published literature in homozygous individuals with beta-thalassemia intermedia or major (PMIDs: 20854126 (2010), 1487424 (1992), 1917531 (1991), 3382401 (1988)). This variant has not been reported in large, multi-ethnic general populations (Genome Aggregation Database). Based on the available information, this variant is classified as pathogenic.

Labcorp Genetics (formerly Invitae), Labcorp
Classification: Pathogenic. Last evaluated: 2023-09-27. Review status: criteria provided, single submitter. Criteria: Invitae Variant Classification Sherloc (09022015). Collection method: clinical testing. Allele origin: germline.
Comment: For these reasons, this variant has been classified as Pathogenic. ClinVar contains an entry for this variant (Variation ID: 15467). This variant has been observed in individual(s) with beta thalassemia (PMID: 1487424, 1917531, 3382401, 20854126). In at least one individual the data is consistent with being in trans (on the opposite chromosome) from a pathogenic variant. This variant is not present in population databases (gnomAD no frequency). This variant occurs in a non-coding region of the HBB gene. It does not change the encoded amino acid sequence of the HBB protein.

Blueprint Genetics
Classification: Pathogenic for HBB-related disorders. Last evaluated: 2023-06-29. Review status: criteria provided, single submitter. Criteria: ACMG Guidelines, 2015. Collection method: clinical testing. Allele origin: germline. Affected: yes. Observed: 3 variant alleles.

ARUP Laboratories, Molecular Genetics and Genomics, ARUP Laboratories
Classification: Pathogenic. Last evaluated: 2018-10-05. Review status: criteria provided, single submitter. Criteria: ARUP Molecular Germline Variant Investigation Process. Collection method: clinical testing. Allele origin: germline.
Comment: The HBB c.-80T>A variant, also known as -30 (T>A), is published in the medical literature in individuals with beta thalassemia intermedia when in the homozygous state and in individuals with a deletion on the opposite chromosome (see link to HbVar database, Fei 1988, Griffon 2010). The variant is listed in the ClinVar database (Variation ID: 15467) and the dbSNP variant database (rs33980857). This variant occurs in the conserved promoter region (Giardine 2011) and is predicted to affect transcription factor binding , thus reducing but not completely abrogating the amount of message produced from that chromosome (beta +). Considering available information, this variant is classified as pathogenic. References: Link to variant in HbVar database: Fei YJ et al. Beta-thalassemia due to a T----A mutation within the ATA box. Biochem Biophys Res Commun. 1988 Jun 16;153(2):741-7. Giardine B et al. Systematic documentation and analysis of human genetic variation in hemoglobinopathies using the microattribution approach. Nat Genet. 2011 Mar 20;43(4):295-301. Griffon C et al. Severe B-thalassemia intermedia in a compound heterozygous patient for the -30 (T>A) B(+)-thalassemia mutation and the D(0)B(+)-Senegalese deletion. Hemoglobin. 2010;34(5):505-8.

Women's Health and Genetics/Laboratory Corporation of America, LabCorp
Classification: Pathogenic for Beta Thalassemia. Last evaluated: 2011-08-18. Review status: criteria provided, single submitter. Criteria: LabCorp Variant Classification Summary - May 2015. Collection method: curation, clinical testing. Allele origin: germline. Inheritance: autosomal recessive. Affected: yes. Observed: 6 variant alleles.
ClinVar note: Converted during submission from pathogenic to Pathogenic.

The ITHANET community portal, The Cyprus Institute of Neurology and Genetics
Classification: Pathogenic for beta Thalassemia. Last evaluated: 2019-11-25. Review status: no assertion criteria provided. Collection method: curation. Allele origin: germline. Not counted in ClinVar's aggregate classification.

OMIM
Classification: Pathogenic for BETA-PLUS-THALASSEMIA. Last evaluated: 1992-01-01. Review status: no assertion criteria provided. Collection method: literature only. Allele origin: germline. Not counted in ClinVar's aggregate classification.

GeneReviews
No classification provided. Condition: beta Thalassemia. Review status: no classification provided. Collection method: literature only. Allele origin: germline. Not counted in ClinVar's aggregate classification.

Literature cited by the submitters: PubMed 25825561 (cited by Natera, Inc.); PubMed 3382401 (cited by 6 submitters); PubMed 20301599 (cited by Quest Diagnostics Nichols Institute San Juan Capistrano); PubMed 20704537 (cited by Quest Diagnostics Nichols Institute San Juan Capistrano and Women's Health and Genetics/Laboratory Corporation of America, LabCorp); PubMed 1390250 (cited by Quest Diagnostics Nichols Institute San Juan Capistrano and Women's Health and Genetics/Laboratory Corporation of America, LabCorp); PubMed 1917531 (cited by 3 submitters); PubMed 20854126 (cited by 3 submitters); PubMed 1487424 (cited by 3 submitters); PubMed 16311287 (cited by Women's Health and Genetics/Laboratory Corporation of America, LabCorp); NCBI Bookshelf NBK1426 (cited by GeneReviews).